The following is an entry in ClinVar:

NM_177550.5(SLC13A5):c.-5G>A

Gene: SLC13A5 (solute carrier family 13 member 5; minus strand). Cytogenetic location: 17p13.1.
Variant type: single nucleotide variant.
Coding change: c.-5G>A on transcript NM_177550.5 (MANE Select); 5 bases upstream of the start codon, G replaced by A.
Molecular consequence: 5 prime UTR variant.
Genome position (GRCh38, 1-based): chr17:6,713,338, C>T on the plus strand (G>A on the coding strand, the complement: SLC13A5 is on the minus strand). VCF-style: chr17-6713338-C-T. GRCh37 (hg19) VCF-style: chr17-6616657-C-T.
Other names: c.-5G>A (NM_001143838.3, NM_001284509.2, NM_001284510.2).
Identifiers: ClinVar variation 506874 (VCV000506874.10), dbSNP rs201070767, ClinGen allele CA624678364.

ClinVar aggregate classification (germline): Uncertain significance. Review status: criteria provided, multiple submitters, no conflicts (2 of 4 stars). 3 submissions from 3 submitters: Uncertain significance (3). Last evaluated 2025-07-19.

Conditions:
Developmental and epileptic encephalopathy, 25 (DEE25). Also called: Epileptic encephalopathy, early infantile, 25; Developmental and epileptic encephalopathy 25, with amelogenesis imperfecta; Epileptic encephalopathy, early infantile, 25, with amelogenesis imperfecta. Identifiers: Orphanet 442835, MedGen C4014621, MONDO:0014392, OMIM 615905.
Inborn genetic diseases. Identifiers: MedGen C0950123, MeSH D030342.

Allele frequency attached by ClinVar (database versions not stated): TOPMed 0.00001.
gnomAD v4.1: 3 of 1,613,222 alleles (0.00019%); highest among the groups gnomAD compares: Admixed American, 0.0033%; no homozygotes.

Submissions (3):

GeneDx
Classification: Uncertain significance. Last evaluated: 2025-07-19. Review status: criteria provided, single submitter. Criteria: GeneDx Variant Classification Process June 2021. Collection method: clinical testing. Allele origin: germline. Affected: yes.
Comment: Not observed at significant frequency in large population cohorts (gnomAD); Nucleotide is not conserved across species and the substitution has no predicted effect on splicing; Has not been previously published as pathogenic or benign to our knowledge; Located in a regulatory region; in the absence of functional studies, the actual effect of this sequence change is unknown

Genome-Nilou Lab
Classification: Uncertain significance for Developmental and epileptic encephalopathy, 25. Last evaluated: 2021-07-15. Review status: criteria provided, single submitter. Criteria: ACMG Guidelines, 2015. Collection method: clinical testing. Allele origin: germline. Affected: no.

Ambry Genetics
Classification: Uncertain significance for Inborn genetic diseases. Last evaluated: 2016-04-15. Review status: criteria provided, single submitter. Criteria: Ambry Variant Classification Scheme 2023. Collection method: clinical testing. Allele origin: germline.
Comment: The c.-5G>A variant is located in the 5' untranslated region (5&rsquo; UTR) of the SLC13A5 gene. This variant results from a G to A substitution 5 bases upstream from the first translated codon. This variant was not reported in population based cohorts in the following databases: Database of Single Nucleotide Polymorphisms (dbSNP), NHLBI Exome Sequencing Project (ESP), and 1000 Genomes Project. In the ESP, this variant was not observed in 6503 samples (13006 alleles) with coverage at this position. This nucleotide position is not conserved on limited sequence alignment. Since supporting evidence is limited at this time, the clinical significance of this variant remains unclear.